The following is an entry in ClinVar:

ClinVar aggregate classification (germline): Uncertain significance (1 of 4 stars; one submission).

Conditions:
Alstrom syndrome (ALMS). Identifiers: Orphanet 64, MedGen C0268425, MONDO:0008763, OMIM 203800.

gnomAD v4.1: 8 of 1,612,146 alleles (0.0005%); highest among the groups gnomAD compares: South Asian, 0.0022%; no homozygotes.

Submission:

Labcorp Genetics (formerly Invitae), Labcorp
Classification: Uncertain significance for Alstrom syndrome. Last evaluated: 2022-04-23. Review status: criteria provided, single submitter. Criteria: Invitae Variant Classification Sherloc (09022015). Collection method: clinical testing. Allele origin: germline.
Comment: This sequence change replaces valine, which is neutral and non-polar, with phenylalanine, which is neutral and non-polar, at codon 1363 of the ALMS1 protein (p.Val1363Phe). This variant is present in population databases (rs534858351, gnomAD 0.003%). This variant has not been reported in the literature in individuals affected with ALMS1-related conditions. Experimental studies and prediction algorithms are not available or were not evaluated, and the functional significance of this variant is currently unknown. In summary, the available evidence is currently insufficient to determine the role of this variant in disease. Therefore, it has been classified as a Variant of Uncertain Significance.

NM_001378454.1(ALMS1):c.4084G>T (p.Val1362Phe)

Gene: ALMS1 (ALMS1 centrosome and basal body associated protein; plus strand). Cytogenetic location: 2p13.1.
Variant type: single nucleotide variant.
Coding change: c.4084G>T on transcript NM_001378454.1 (MANE Select); coding-DNA position 4084, G replaced by T.
Protein change: p.Val1362Phe; replaces valine 1362 with phenylalanine.
Molecular consequence: missense variant.
Genome position (GRCh38, 1-based): chr2:73,450,611, G>T. VCF-style: chr2-73450611-G-T. GRCh37 (hg19) VCF-style: chr2-73677738-G-T.
Other names: c.4087G>T, p.Val1363Phe (NM_015120.4); short protein forms V1363F, V1362F.
Identifiers: ClinVar variation 2197857 (VCV002197857.1), dbSNP rs534858351, ClinGen allele CA1713635.